The following is an entry in ClinVar:

ClinVar aggregate classification (germline): Pathogenic (1 of 4 stars; one submission).

Conditions:
VPS13A-related neurodegenerative disease. Also called: ACANTHOCYTOSIS WITH NEUROLOGIC DISORDER; LEVINE-CRITCHLEY SYNDROME; Choreoacanthocytosis; Chorea-acanthocytosis; Choreaacanthocytosis; VPS13A Disease. Identifiers: Orphanet 2388, MedGen C0393576, MONDO:0008695, OMIM 200150.

Submission:

Myriad Genetics, Inc.
Classification: Pathogenic for VPS13A-related neurodegenerative disease. Last evaluated: 2024-05-14. Review status: criteria provided, single submitter. Criteria: Myriad Autosomal Dominant, Autosomal Recessive and X-Linked Classification Criteria (2023). Collection method: clinical testing. Allele origin: unknown.
Comment: NM_033305.2(VPS13A):c.4490_4491ins13(T1498Lfs*2) is expected to be pathogenic in the context of VPS13A disease. This variant is predicted to lead to an abnormal or absent protein product due to the creation of a premature termination codon in VPS13A, a gene where loss-of-function variants are known to be pathogenic. Please note: this variant was assessed in the context of healthy population screening.

NM_033305.3(VPS13A):c.4490_4491insTCTATAAGCCAAG (p.Val1497_Thr1498insLeuTer)

Gene: VPS13A (vacuolar protein sorting 13 homolog A; plus strand). Cytogenetic location: 9q21.2.
Variant type: Insertion.
Coding change: c.4490_4491insTCTATAAGCCAAG on transcript NM_033305.3 (MANE Select); coding-DNA positions 4490 to 4491, TCTATAAGCCAAG inserted.
Protein change: p.Val1497_Thr1498insLeuTer.
Molecular consequence: nonsense.
Genome position: GRCh38 VCF-style: chr9-77315330-T-TTCTATAAGCCAAG. GRCh37 (hg19) VCF-style: chr9-79930246-T-TTCTATAAGCCAAG.
Other names: c.4490_4491insTCTATAAGCCAAG, p.Val1497_Thr1498insLeuTer (NM_001018038.3, NM_015186.4); c.4373_4374insTCTATAAGCCAAG, p.Val1458_Thr1459insLeuTer (NM_001018037.2).
Identifiers: ClinVar variation 5010396 (VCV005010396.1).